The following is an entry in ClinVar:

NM_138425.4(C12orf57):c.115G>C (p.Ala39Pro)

Gene: C12orf57 (chromosome 12 open reading frame 57; plus strand). Cytogenetic location: 12p13.31.
Variant type: single nucleotide variant.
Coding change: c.115G>C on transcript NM_138425.4 (MANE Select); coding-DNA position 115, G replaced by C.
Protein change: p.Ala39Pro; replaces alanine 39 with proline.
Molecular consequence: missense variant. On other transcripts: non-coding transcript variant (1).
Genome position (GRCh38, 1-based): chr12:6,944,538, G>C. VCF-style: chr12-6944538-G-C. GRCh37 (hg19) VCF-style: chr12-7053701-G-C.
Other names: c.115G>C, p.Ala39Pro (NM_001301834.1, NM_001301837.2); c.76G>C, p.Ala26Pro (NM_001301836.2); c.10G>C, p.Ala4Pro (NM_001301838.2); short protein forms A4P, A26P, A39P.
Identifiers: ClinVar variation 1975691 (VCV001975691.2), dbSNP rs1555146015, ClinGen allele CA383744446.

ClinVar aggregate classification (germline): Uncertain significance (1 of 4 stars; one submission).

Conditions:
Temtamy syndrome (TEMTYS). Also called: MENTAL RETARDATION WITH OR WITHOUT CRANIOFACIAL DYSMORPHISM, OCULAR COLOBOMA, OR ABNORMAL CORPUS CALLOSUM. Identifiers: Orphanet 1777, MedGen C1857512, MONDO:0009033, OMIM 218340.

Allele frequency attached by ClinVar (database versions not stated): TOPMed below 0.00001.
gnomAD v4.1: 3 of 1,614,086 alleles (0.00019%); highest among the groups gnomAD compares: Non-Finnish European, 0.00017%; no homozygotes.

Submission:

Labcorp Genetics (formerly Invitae), Labcorp
Classification: Uncertain significance for Temtamy syndrome. Last evaluated: 2022-05-31. Review status: criteria provided, single submitter. Criteria: Invitae Variant Classification Sherloc (09022015). Collection method: clinical testing. Allele origin: germline.
Comment: This sequence change replaces alanine, which is neutral and non-polar, with proline, which is neutral and non-polar, at codon 39 of the C12orf57 protein (p.Ala39Pro). This variant is present in population databases (no rsID available, gnomAD 0.004%). This variant has not been reported in the literature in individuals affected with C12orf57-related conditions. Algorithms developed to predict the effect of missense changes on protein structure and function (SIFT, PolyPhen-2, Align-GVGD) all suggest that this variant is likely to be disruptive. In summary, the available evidence is currently insufficient to determine the role of this variant in disease. Therefore, it has been classified as a Variant of Uncertain Significance.